The following is an entry in ClinVar:

ClinVar aggregate classification (germline): Pathogenic (1 of 4 stars; one submission).

Conditions:
Insulin-dependent diabetes mellitus secretory diarrhea syndrome (IPEX). Also called: Immune dysregulation-polyendocrinopathy-enteropathy-X-linked syndrome; IMMUNODEFICIENCY, POLYENDOCRINOPATHY, AND ENTEROPATHY, X-LINKED; IPEX and IPEX-Like; Immunodeficiency, Polyendocrinopathy, and Enteropathy X-Linked Syndrome; X-Linked Syndrome of Polyendocrinopathy, Immune Dysfunction, and Diarrhea; DIABETES MELLITUS, CONGENITAL INSULIN-DEPENDENT, WITH FATAL SECRETORY DIARRHEA. Identifiers: Orphanet 37042, MedGen C0342288, MONDO:0010580, OMIM 304790. Disease mechanism: loss of function.

Submission:

Labcorp Genetics (formerly Invitae), Labcorp
Classification: Pathogenic for Insulin-dependent diabetes mellitus secretory diarrhea syndrome. Last evaluated: 2021-03-22. Review status: criteria provided, single submitter. Criteria: Invitae Variant Classification Sherloc (09022015). Collection method: clinical testing. Allele origin: germline.
Comment: For these reasons, this variant has been classified as Pathogenic. This variant has been reported to affect FOXP3 protein function (PMID: 30510991). This sequence change replaces cysteine with glycine at codon 232 of the FOXP3 protein (p.Cys232Gly). The cysteine residue is moderately conserved and there is a large physicochemical difference between cysteine and glycine. This variant is not present in population databases (ExAC no frequency). This variant has been observed in individual(s) with IPEX syndrome (PMID: 24792626, Invitae). It has also been observed to segregate with disease in related individuals. ClinVar contains an entry for this variant (Variation ID: 578790).

Literature cited by the submitters: PubMed 30510991; PubMed 24792626.

NM_014009.4(FOXP3):c.694T>G (p.Cys232Gly)

Gene: FOXP3 (forkhead box P3; minus strand). Cytogenetic location: Xp11.23.
Variant type: single nucleotide variant.
Coding change: c.694T>G on transcript NM_014009.4 (MANE Select); coding-DNA position 694, T replaced by G.
Protein change: p.Cys232Gly; replaces cysteine 232 with glycine.
Molecular consequence: missense variant.
Genome position (GRCh38, 1-based): chrX:49,255,756, A>C on the plus strand (T>G on the coding strand, the complement: FOXP3 is on the minus strand). VCF-style: chrX-49255756-A-C. GRCh37 (hg19) VCF-style: chrX-49112217-A-C.
Other names: c.589T>G, p.Cys197Gly (NM_001114377.2); short protein forms C232G, C197G.
Identifiers: ClinVar variation 578790 (VCV000578790.8), dbSNP rs1569529715, ClinGen allele CA412951147.